The following is an entry in ClinVar:

ClinVar aggregate classification (germline): Uncertain significance (1 of 4 stars; one submission).

Allele frequency attached by ClinVar (database versions not stated): TOPMed 0.00001; gnomAD 0.00003; ExAC 0.00004; gnomAD exomes 0.00004.

Submission:

Labcorp Genetics (formerly Invitae), Labcorp
Classification: Uncertain significance. Last evaluated: 2025-12-08. Review status: criteria provided, single submitter. Criteria: Invitae Variant Classification Sherloc (09022015). Collection method: clinical testing. Allele origin: germline.
Comment: This sequence change replaces histidine, which is basic and polar, with tyrosine, which is neutral and polar, at codon 21 of the TARS2 protein (p.His21Tyr). This variant is present in population databases (rs748959322, gnomAD 0.01%). This variant has not been reported in the literature in individuals affected with TARS2-related conditions. ClinVar contains an entry for this variant (Variation ID: 1991918). An algorithm developed to predict the effect of missense changes on protein structure and function (PolyPhen-2) suggests that this variant is likely to be disruptive. In summary, the available evidence is currently insufficient to determine the role of this variant in disease. Therefore, it has been classified as a Variant of Uncertain Significance.

NM_025150.5(TARS2):c.61C>T (p.His21Tyr)

Gene: TARS2 (threonyl-tRNA synthetase 2, mitochondrial; plus strand). Cytogenetic location: 1q21.2.
Variant type: single nucleotide variant.
Coding change: c.61C>T on transcript NM_025150.5 (MANE Select); coding-DNA position 61, C replaced by T.
Protein change: p.His21Tyr; replaces histidine 21 with tyrosine.
Molecular consequence: missense variant. On other transcripts: non-coding transcript variant (2).
Genome position (GRCh38, 1-based): chr1:150,487,511, C>T. VCF-style: chr1-150487511-C-T. GRCh37 (hg19) VCF-style: chr1-150459987-C-T.
Other names: c.61C>T, p.His21Tyr (NM_001271895.2, NM_001271896.2); short protein forms H21Y.
Identifiers: ClinVar variation 1991918 (VCV001991918.4), dbSNP rs748959322, ClinGen allele CA1076566.
Genomic context (GRCh38, chr1:150,487,511, plus strand): 5'-ATGGCCCTGTATCAGAGGTGGCGGTGTCTCCGGCTCCAAGGTTTACAGGCTTGCAGGCTA[C>T]ACACGGTGCGTGAGGCACCCCCAAAGCTCCGATCCGCATCAGACTTAGCCCAGCCGAAGC-3'
Protein context (NP_079426.2, residues 11-31): RLQGLQACRL[His21Tyr]TAVVSTPPRW